The following is an entry in ClinVar:

ClinVar aggregate classification (germline): Uncertain significance (1 of 4 stars; one submission).

Submission:

GeneDx
Classification: Uncertain significance. Last evaluated: 2023-11-30. Review status: criteria provided, single submitter. Criteria: GeneDx Variant Classification Process June 2021. Collection method: clinical testing. Allele origin: germline. Affected: yes.
Comment: Not observed at significant frequency in large population cohorts (gnomAD); In silico analysis supports that this missense variant does not alter protein structure/function; Has not been previously published as pathogenic or benign to our knowledge

NM_003036.4(SKI):c.656G>A (p.Arg219His)

Gene: SKI (SKI proto-oncogene; plus strand). Cytogenetic location: 1p36.33.
Variant type: single nucleotide variant.
Coding change: c.656G>A on transcript NM_003036.4 (MANE Select); coding-DNA position 656, G replaced by A.
Protein change: p.Arg219His; replaces arginine 219 with histidine.
Molecular consequence: missense variant.
Genome position (GRCh38, 1-based): chr1:2,229,422, G>A. VCF-style: chr1-2229422-G-A. GRCh37 (hg19) VCF-style: chr1-2160861-G-A.
Other names: short protein forms R219H.
Identifiers: ClinVar variation 1304868 (VCV001304868.3), dbSNP rs1638580742, ClinGen allele CA337954538.